The following is an entry in ClinVar:

ClinVar aggregate classification (germline): Likely benign (1 of 4 stars; one submission).

gnomAD v4.1: 7 of 1,613,972 alleles (0.00043%); highest among the groups gnomAD compares: Non-Finnish European, 0.00059%; no homozygotes.

Submission:

CeGaT Center for Human Genetics Tuebingen
Classification: Likely benign. Last evaluated: 2025-04-01. Review status: criteria provided, single submitter. Criteria: CeGaT Center For Human Genetics Tuebingen Variant Classification Criteria Version 2. Collection method: clinical testing. Allele origin: germline. Affected: yes. Observed: 1 variant allele.
Comment: RFX3: BP4

NM_001282116.2(RFX3):c.1968+26C>T

Gene: RFX3 (regulatory factor X3; minus strand). Cytogenetic location: 9p24.2.
Variant type: single nucleotide variant.
Coding change: c.1968+26C>T on transcript NM_001282116.2 (MANE Select); 26 bases into the intron after coding-DNA position 1968, C replaced by T.
Molecular consequence: intron variant. On other transcripts: missense variant (1).
Genome position (GRCh38, 1-based): chr9:3,248,006, G>A on the plus strand (C>T on the coding strand, the complement: RFX3 is on the minus strand). VCF-style: chr9-3248006-G-A. GRCh37 (hg19) VCF-style: chr9-3248006-G-A.
Other names: c.1994C>T, p.Thr665Ile (NM_002919.4); c.1968+26C>T (NM_001377999.1, NM_134428.3); short protein forms T665I.
Identifiers: ClinVar variation 3898758 (VCV003898758.7).